The following is an entry in ClinVar:

ClinVar aggregate classification (germline): Conflicting classifications of pathogenicity. Review status: criteria provided, conflicting classifications (1 of 4 stars). 5 submissions from 5 submitters: Uncertain significance (3); Likely benign (1). 1 of the submissions does not count toward it. Last evaluated 2026-02-01.

Conditions:
Polyglandular autoimmune syndrome, type 1 (APS1). Also called: Autoimmune polyendocrinopathy syndrome , type I, with or without reversible metaphyseal dysplasia; AUTOIMMUNE POLYENDOCRINE SYNDROME, TYPE I, WITH OR WITHOUT REVERSIBLE METAPHYSEAL DYSPLASIA; Whitaker syndrome; HYPOADRENOCORTICISM WITH HYPOPARATHYROIDISM AND SUPERFICIAL MONILIASIS; PGA I; Autoimmune polyendocrine syndrome type 1. Identifiers: Orphanet 3453, MedGen C0085859, MONDO:0009411, OMIM 240300.
AIRE-related disorder. Also called: AIRE-related condition.

Allele frequency attached by ClinVar (database versions not stated): gnomAD exomes 0.00005 and 0.00021; gnomAD 0.00006; TOPMed 0.00014; ExAC 0.00019; 1000 Genomes Project 0.00020; 1000 Genomes Project 30x 0.00031.
gnomAD v4.1: 85 of 1,612,440 alleles (0.0053%); highest among the groups gnomAD compares: Admixed American, 0.08%; no homozygotes.

Submissions (5):

CeGaT Center for Human Genetics Tuebingen
Classification: Uncertain significance. Last evaluated: 2026-02-01. Review status: criteria provided, single submitter. Criteria: CeGaT Center For Human Genetics Tuebingen Variant Classification Criteria Version 2. Collection method: clinical testing. Allele origin: germline. Affected: yes. Observed: 1 variant allele.

Labcorp Genetics (formerly Invitae), Labcorp
Classification: Likely benign for Polyglandular autoimmune syndrome, type 1. Last evaluated: 2026-02-01. Review status: criteria provided, single submitter. Criteria: Invitae Variant Classification Sherloc (09022015). Collection method: clinical testing. Allele origin: germline.

PreventionGenetics, part of Exact Sciences
Classification: Uncertain significance for AIRE-related condition. Last evaluated: 2022-11-23. Review status: criteria provided, single submitter. Criteria: ACMG Guidelines, 2015. Collection method: clinical testing. Allele origin: germline.
Comment: The AIRE c.1169C>T variant is predicted to result in the amino acid substitution p.Thr390Met. To our knowledge, this variant has not been reported in the literature. This variant is reported in 0.12% of alleles in individuals of Latino descent in gnomAD. At this time, the clinical significance of this variant is uncertain due to the absence of conclusive functional and genetic evidence.

Fulgent Genetics
Classification: Uncertain significance for Polyglandular autoimmune syndrome, type 1. Last evaluated: 2022-04-12. Review status: criteria provided, single submitter. Criteria: ACMG Guidelines, 2015. Collection method: clinical testing. Allele origin: unknown.

Natera, Inc.
Classification: Uncertain significance for Polyglandular autoimmune syndrome type 1. Last evaluated: 2020-02-21. Review status: no assertion criteria provided. Collection method: clinical testing. Allele origin: germline. Not counted in ClinVar's aggregate classification.

NM_000383.4(AIRE):c.1169C>T (p.Thr390Met)

Gene: AIRE (autoimmune regulator; plus strand). Cytogenetic location: 21q22.3.
Variant type: single nucleotide variant.
Coding change: c.1169C>T on transcript NM_000383.4 (MANE Select); coding-DNA position 1169, C replaced by T.
Protein change: p.Thr390Met; replaces threonine 390 with methionine.
Molecular consequence: missense variant.
Genome position (GRCh38, 1-based): chr21:44,293,066, C>T. VCF-style: chr21-44293066-C-T. GRCh37 (hg19) VCF-style: chr21-45712949-C-T.
Other names: short protein forms T390M.
Identifiers: ClinVar variation 648148 (VCV000648148.15), dbSNP rs201491251, ClinGen allele CA10051971.
Genomic context (GRCh38, chr21:44,293,066, plus strand): 5'-TTAGGTCGGCGGGAGAGGAGGTAAGAGGTCCACCTGGGGAACCCCTAGCCGGCATGGACA[C>T]GACTCTTGTCTACAAGCACCTGCCGGCTCCGCCTTCTGCAGCCCCGCTGCCAGGGCTGGA-3'
Protein context (NP_000374.1, residues 380-400): PPGEPLAGMD[Thr390Met]TLVYKHLPAP